The following is an entry in ClinVar:

ClinVar aggregate classification (germline): Uncertain significance (1 of 4 stars; one submission).

Allele frequency attached by ClinVar (database versions not stated): gnomAD exomes below 0.00001.

Submission:

Labcorp Genetics (formerly Invitae), Labcorp
Classification: Uncertain significance. Last evaluated: 2022-04-04. Review status: criteria provided, single submitter. Criteria: Invitae Variant Classification Sherloc (09022015). Collection method: clinical testing. Allele origin: germline.
Comment: This sequence change replaces leucine, which is neutral and non-polar, with phenylalanine, which is neutral and non-polar, at codon 47 of the TTPA protein (p.Leu47Phe). This variant is not present in population databases (gnomAD no frequency). This variant has not been reported in the literature in individuals affected with TTPA-related conditions. Algorithms developed to predict the effect of missense changes on protein structure and function (SIFT, PolyPhen-2, Align-GVGD) all suggest that this variant is likely to be tolerated. In summary, the available evidence is currently insufficient to determine the role of this variant in disease. Therefore, it has been classified as a Variant of Uncertain Significance.

NM_000370.3(TTPA):c.139C>T (p.Leu47Phe)

Gene: TTPA (alpha tocopherol transfer protein; minus strand). Cytogenetic location: 8q12.3.
Variant type: single nucleotide variant.
Coding change: c.139C>T on transcript NM_000370.3 (MANE Select); coding-DNA position 139, C replaced by T.
Protein change: p.Leu47Phe; replaces leucine 47 with phenylalanine.
Molecular consequence: missense variant.
Genome position (GRCh38, 1-based): chr8:63,085,883, G>A on the plus strand (C>T on the coding strand, the complement: TTPA is on the minus strand). VCF-style: chr8-63085883-G-A. GRCh37 (hg19) VCF-style: chr8-63998442-G-A.
Other names: c.139C>T, p.Leu47Phe (NM_001413414.1, NM_001413415.1, NM_001413416.1 and 2 more transcripts); short protein forms L47F.
Identifiers: ClinVar variation 1977708 (VCV001977708.5), dbSNP rs949291316, ClinGen allele CA178858401.